The following is an entry in ClinVar:

ClinVar aggregate classification (germline): Uncertain significance. Review status: criteria provided, multiple submitters, no conflicts (2 of 4 stars). 2 submissions from 2 submitters: Uncertain significance (2). Last evaluated 2024-10-14.

Conditions:
3-methylglutaconic aciduria, type VIIB (MGCA7B). Also called: CLPB Deficiency; 3-methylglutaconic aciduria, type VII, with cataracts, neurologic involvement and neutropenia; 3-methylglutaconic aciduria with cataracts, neurologic involvement and neutropenia. Identifiers: Orphanet 445038, MedGen C5676893, MONDO:0014561, OMIM 616271.

Submissions (2):

GeneDx
Classification: Uncertain significance. Last evaluated: 2024-10-14. Review status: criteria provided, single submitter. Criteria: GeneDx Variant Classification Process June 2021. Collection method: clinical testing. Allele origin: germline. Affected: yes.
Comment: Has not been previously published as pathogenic or benign to our knowledge; Not observed at significant frequency in large population cohorts (gnomAD); In silico analysis indicates that this missense variant does not alter protein structure/function

Labcorp Genetics (formerly Invitae), Labcorp
Classification: Uncertain significance for 3-methylglutaconic aciduria, type VIIB. Last evaluated: 2024-09-22. Review status: criteria provided, single submitter. Criteria: Invitae Variant Classification Sherloc (09022015). Collection method: clinical testing. Allele origin: germline.
Comment: This sequence change replaces alanine, which is neutral and non-polar, with threonine, which is neutral and polar, at codon 121 of the CLPB protein (p.Ala121Thr). This variant is not present in population databases (gnomAD no frequency). This variant has not been reported in the literature in individuals affected with CLPB-related conditions. ClinVar contains an entry for this variant (Variation ID: 2421898). An algorithm developed to predict the effect of missense changes on protein structure and function (PolyPhen-2) suggests that this variant is likely to be disruptive. In summary, the available evidence is currently insufficient to determine the role of this variant in disease. Therefore, it has been classified as a Variant of Uncertain Significance.

NM_001258392.3(CLPB):c.361G>A (p.Ala121Thr)

Gene: CLPB (ClpB family mitochondrial disaggregase; minus strand). Cytogenetic location: 11q13.4.
Variant type: single nucleotide variant.
Coding change: c.361G>A on transcript NM_001258392.3 (MANE Select); coding-DNA position 361, G replaced by A.
Protein change: p.Ala121Thr; replaces alanine 121 with threonine.
Molecular consequence: missense variant.
Genome position (GRCh38, 1-based): chr11:72,434,114, C>T on the plus strand (G>A on the coding strand, the complement: CLPB is on the minus strand). VCF-style: chr11-72434114-C-T. GRCh37 (hg19) VCF-style: chr11-72145158-C-T.
Other names: c.361G>A, p.Ala121Thr (NM_001258393.3, NM_030813.6); c.119G>A, p.Ser40Asn (NM_001258394.3); c.361G>A (NM_030813.5); short protein forms A121T, S40N.
Identifiers: ClinVar variation 2421898 (VCV002421898.10), dbSNP rs374780915, ClinGen allele CA381962858.